The following is an entry in ClinVar:

NM_003200.5(TCF3):c.1178_1181del (p.Ile393fs)

Gene: TCF3 (transcription factor 3; minus strand). Cytogenetic location: 19p13.3.
Variant type: Deletion.
Coding change: c.1178_1181del on transcript NM_003200.5 (MANE Select); coding-DNA positions 1178 to 1181, 4 bases deleted (TAGA; older notation c.1178_1181delTAGA).
Protein change: p.Ile393fs; shifts the reading frame from isoleucine 393.
Molecular consequence: frameshift variant.
Genome position (GRCh38, 1-based): chr19:1,619,461-1,619,464, TCTA deleted on the plus strand (TAGA on the coding strand, the reverse complement: TCF3 is on the minus strand); deleting any 4 consecutive bases within chr19:1,619,461-1,619,467 gives the same sequence; the c. name uses the placement nearest the transcript's 3' end. VCF-style (leftmost placement, unchanged base first): chr19-1619460-TTCTA-T. GRCh37 (hg19) VCF-style: chr19-1619459-TTCTA-T.
Other names: c.1175_1178del, p.Ile392fs (NM_001351778.2); c.1178_1181del, p.Ile393fs (NM_001136139.4, NM_001351779.2); short protein forms I393fs, I392fs.
Identifiers: ClinVar variation 2700730 (VCV002700730.3), dbSNP rs2513492203, ClinGen allele CA2576551939.

ClinVar aggregate classification (germline): Pathogenic (1 of 4 stars; one submission).

Submission:

Labcorp Genetics (formerly Invitae), Labcorp
Classification: Pathogenic. Last evaluated: 2024-08-14. Review status: criteria provided, single submitter. Criteria: Invitae Variant Classification Sherloc (09022015). Collection method: clinical testing. Allele origin: germline.
Comment: This sequence change creates a premature translational stop signal (p.Ile393Lysfs*92) in the TCF3 gene. It is expected to result in an absent or disrupted protein product. Loss-of-function variants in TCF3 are known to be pathogenic (PMID: 24216514, 30063982, 37277074). This variant is not present in population databases (gnomAD no frequency). This variant has not been reported in the literature in individuals affected with TCF3-related conditions. For these reasons, this variant has been classified as Pathogenic.

Literature cited by the submitters: PubMed 24216514; PubMed 30063982; PubMed 37277074.